The following is an entry in ClinVar:

ClinVar aggregate classification (germline): Uncertain significance (1 of 4 stars; one submission).

Conditions:
Inborn genetic diseases. Identifiers: MedGen C0950123, MeSH D030342.

Submission:

Ambry Genetics
Classification: Uncertain significance for Inborn genetic diseases. Last evaluated: 2017-07-27. Review status: criteria provided, single submitter. Criteria: Ambry Variant Classification Scheme 2023. Collection method: clinical testing. Allele origin: germline.
Comment: The c.1041dupT variant, located in coding exon 10 of the TUSC3 gene, results from a duplication of T at nucleotide position 1041, causing a translational frameshift with a predicted alternate stop codon (p.E348*). This amino acid position is highly conserved in available vertebrate species. In addition, this alteration is predicted to be benign by Provean in silico analyses. Frameshifts are typically deleterious in nature, however, this frameshift occurs at the 3' terminus of the TUSC3 gene, is not expected to trigger nonsense-mediated mRNA decay, and impacts only the last two translated amino acids of the protein. The exact functional impact of these altered amino acids is unknown at this time. Since supporting evidence is limited at this time, the clinical significance of this alteration remains unclear.

NM_006765.4(TUSC3):c.1041dup (p.Glu348Ter)

Gene: TUSC3 (tumor suppressor candidate 3; plus strand). Cytogenetic location: 8p22.
Variant type: Duplication.
Coding change: c.1041dup on transcript NM_006765.4 (MANE Select); coding-DNA position 1041, one base duplicated (T; older notation c.1041dupT).
Protein change: p.Glu348Ter; replaces glutamic acid 348 with a stop codon.
Molecular consequence: nonsense. On other transcripts: frameshift variant (3), intron variant (1).
Genome position (GRCh38, 1-based): chr8:15,757,803, T duplicated; the last of 3 consecutive T bases (chr8:15,757,801-15,757,803); duplicating any one gives the same sequence. VCF-style (leftmost placement, unchanged base first): chr8-15757800-C-CT. GRCh37 (hg19) VCF-style: chr8-15615309-C-CT.
Other names: c.1041dup, p.Glu348Ter (NM_001356429.2); c.1041dup, p.Glu348Terfs (NM_001413583.1, NM_001413689.1); c.873dup, p.Glu292Terfs (NM_001413671.1); c.1029-6400dup (NM_178234.2); short protein forms E348*.
Identifiers: ClinVar variation 1774264 (VCV001774264.2), dbSNP rs1315555276, ClinGen allele CA459827791.